The following is an entry in ClinVar:

ClinVar aggregate classification (germline): Pathogenic (1 of 4 stars; one submission).

Submission:

Labcorp Genetics (formerly Invitae), Labcorp
Classification: Pathogenic. Last evaluated: 2023-02-20. Review status: criteria provided, single submitter. Criteria: Invitae Variant Classification Sherloc (09022015). Collection method: clinical testing. Allele origin: unknown.
Comment: This variant is a gross deletion of the genomic region encompassing exon(s) 3-9 of the ADAMTSL4 gene, which includes the initiator codon. This deletion extends beyond the assayed region for this gene and therefore may encompass additional genes. It is expected to result in an absent or disrupted protein product. Loss-of-function variants in ADAMTSL4 are known to be pathogenic (PMID: 20564469, 28642162). This variant has not been reported in the literature in individuals affected with ADAMTSL4-related conditions. For these reasons, this variant has been classified as Pathogenic.

Literature cited by the submitters: PubMed 20564469; PubMed 28642162.

NC_000001.10:g.(?_150524765)_(150528862_?)del

Gene: ADAMTSL4 (ADAMTS like 4; plus strand). Cytogenetic location: 1q21.3.
Variant type: Deletion.
Identifiers: ClinVar variation 3248015 (VCV003248015.1).